The following is an entry in ClinVar:

ClinVar aggregate classification (germline): Likely benign (1 of 4 stars; one submission).

gnomAD v4.1: 17 of 1,614,132 alleles (0.0011%); highest among the groups gnomAD compares: South Asian, 0.0077%; no homozygotes.

Submission:

CeGaT Center for Human Genetics Tuebingen
Classification: Likely benign. Last evaluated: 2022-03-01. Review status: criteria provided, single submitter. Criteria: CeGaT Center For Human Genetics Tuebingen Variant Classification Criteria Version 2. Collection method: clinical testing. Allele origin: germline. Affected: yes. Observed: 1 variant allele.
Comment: SMO: BP4, BP7

NM_005631.5(SMO):c.2265C>T (p.Pro755=)

Gene: SMO (smoothened, frizzled class receptor; plus strand). Cytogenetic location: 7q32.1.
Variant type: single nucleotide variant.
Coding change: c.2265C>T on transcript NM_005631.5 (MANE Select); coding-DNA position 2265, C replaced by T.
Protein change: p.Pro755=; no amino-acid change (proline 755 retained).
Molecular consequence: synonymous variant.
Genome position (GRCh38, 1-based): chr7:129,212,352, C>T. VCF-style: chr7-129212352-C-T. GRCh37 (hg19) VCF-style: chr7-128852193-C-T.
Identifiers: ClinVar variation 2657996 (VCV002657996.24), dbSNP rs1284739237, ClinGen allele CA457852661.